The following is an entry in ClinVar:

NM_004380.3(CREBBP):c.5614A>G (p.Met1872Val)

Gene: CREBBP (CREB binding lysine acetyltransferase; minus strand). Cytogenetic location: 16p13.3.
Variant type: single nucleotide variant.
Coding change: c.5614A>G on transcript NM_004380.3 (MANE Select); coding-DNA position 5614, A replaced by G.
Protein change: p.Met1872Val; replaces methionine 1872 with valine.
Molecular consequence: missense variant.
Genome position (GRCh38, 1-based): chr16:3,729,433, T>C on the plus strand (A>G on the coding strand, the complement: CREBBP is on the minus strand). VCF-style: chr16-3729433-T-C. GRCh37 (hg19) VCF-style: chr16-3779434-T-C.
Other names: c.5500A>G, p.Met1834Val (NM_001079846.1); short protein forms M1872V, M1834V.
Identifiers: ClinVar variation 209145 (VCV000209145.16), dbSNP rs797045037, ClinGen allele CA276136.

ClinVar aggregate classification (germline): Pathogenic/Likely pathogenic. Review status: criteria provided, multiple submitters, no conflicts (2 of 4 stars). 7 submissions from 7 submitters: Pathogenic (4); Likely pathogenic (2). 1 of the submissions does not count toward it. Last evaluated 2025-03-17.

Conditions:
Menke-Hennekam syndrome 1 (MKHK1). Identifiers: MedGen C5193034, MONDO:0020763, OMIM 618332.
Rubinstein-Taybi syndrome due to CREBBP mutations (RSTS1). Also called: RUBINSTEIN SYNDROME; BROAD THUMBS AND GREAT TOES, CHARACTERISTIC FACIES, AND IMPAIRED INTELLECTUAL DEVELOPMENT; RUBINSTEIN-TAYBI SYNDROME 1, INCOMPLETE; BROAD THUMB-HALLUX SYNDROME; Rubinstein-Taybi syndrome 1; CREBBP-Related Rubinstein-Taybi Syndrome. Identifiers: Orphanet 353277, Orphanet 783, MedGen C4551859, MONDO:0008393, OMIM 180849.
CREBBP-related disorder. Also called: CREBBP-related disorders; CREBBP-related condition.
Rubinstein-Taybi syndrome (RSTS). Identifiers: Orphanet 783, MedGen C0035934, MONDO:0019188.
Intellectual disability. Also called: Intellectual functioning disability; intellectual disabilities; Intellectual developmental disorder. Identifiers: MedGen C3714756, MeSH D008607, MONDO:0001071, HP:0001249.

Submissions (7):

Revvity Omics, Revvity
Classification: Likely pathogenic. Last evaluated: 2025-03-17. Review status: criteria provided, single submitter. Criteria: ACMG Guidelines, 2015. Collection method: clinical testing. Allele origin: germline.

Labcorp Genetics (formerly Invitae), Labcorp
Classification: Pathogenic for Rubinstein-Taybi syndrome. Last evaluated: 2023-07-01. Review status: criteria provided, single submitter. Criteria: Invitae Variant Classification Sherloc (09022015). Collection method: clinical testing. Allele origin: germline.
Comment: This missense change has been observed in individual(s) with clinical features of Menke-Hennekam syndrome (PMID: 27311832, 29460469). In at least one individual the variant was observed to be de novo. For these reasons, this variant has been classified as Pathogenic. Advanced modeling of protein sequence and biophysical properties (such as structural, functional, and spatial information, amino acid conservation, physicochemical variation, residue mobility, and thermodynamic stability) has been performed at Invitae for this missense variant, however the output from this modeling did not meet the statistical confidence thresholds required to predict the impact of this variant on CREBBP protein function. ClinVar contains an entry for this variant (Variation ID: 209145). This variant is not present in population databases (gnomAD no frequency). This sequence change replaces methionine, which is neutral and non-polar, with valine, which is neutral and non-polar, at codon 1872 of the CREBBP protein (p.Met1872Val).

GeneDx
Classification: Pathogenic. Last evaluated: 2022-12-04. Review status: criteria provided, single submitter. Criteria: GeneDx Variant Classification Process June 2021. Collection method: clinical testing. Allele origin: germline. Affected: yes.
Comment: Not observed at significant frequency in large population cohorts (gnomAD); In silico analysis supports that this missense variant has a deleterious effect on protein structure/function; This variant is associated with the following publications: (PMID: 26942292, 27311832, 29460469, 34652060)

PreventionGenetics, part of Exact Sciences
Classification: Pathogenic for CREBBP-related condition. Last evaluated: 2022-09-14. Review status: criteria provided, single submitter. Criteria: ACMG Guidelines, 2015. Collection method: clinical testing. Allele origin: germline.
Comment: The CREBBP c.5614A>G variant is predicted to result in the amino acid substitution p.Met1872Val. This variant has been previously reported as a recurrent de novo variant in individuals with variable developmental delay, intellectual disability, short stature and/or microcephaly (see for example Menke et al. 2016. PubMed ID: 27311832; Menke et al. 2018. PubMed ID: 29460469; Patient 2, Table 1, Nishi et al. 2022. PubMed ID: 34652060). This variant has not been reported in a large population database, indicating this variant is rare. This variant is interpreted as pathogenic.

Diagnostic Laboratory, Strasbourg University Hospital
Classification: Pathogenic for Intellectual disability. Last evaluated: 2020-09-10. Review status: criteria provided, single submitter. Criteria: ACMG Guidelines, 2015. Collection method: clinical testing. Allele origin: de novo. Affected: yes. Observed: 1 heterozygote.

Baylor Genetics
Classification: Likely pathogenic for Rubinstein-Taybi syndrome. Last evaluated: 2013-05-16. Review status: criteria provided, single submitter. Criteria: Yang et al. 2013. Collection method: clinical testing. Allele origin: de novo. Inheritance: Autosomal dominant inheritance. Affected: yes. Observed: 1 variant allele, 1 heterozygote. Study: Adult_WES.

OMIM
Classification: Pathogenic for MENKE-HENNEKAM SYNDROME 1. Last evaluated: 2019-02-22. Review status: no assertion criteria provided. Collection method: literature only. Allele origin: germline. Not counted in ClinVar's aggregate classification.

Literature cited by the submitters: PubMed 27311832 (cited by Labcorp Genetics (formerly Invitae), Labcorp and OMIM); PubMed 29460469 (cited by Labcorp Genetics (formerly Invitae), Labcorp and OMIM); PubMed 26633545 (cited by Baylor Genetics).